The following is an entry in ClinVar:

NM_022051.3(EGLN1):c.221A>C (p.His74Pro)

Gene: EGLN1 (egl-9 family hypoxia inducible factor 1; minus strand). Cytogenetic location: 1q42.2.
Variant type: single nucleotide variant.
Coding change: c.221A>C on transcript NM_022051.3 (MANE Select); coding-DNA position 221, A replaced by C.
Protein change: p.His74Pro; replaces histidine 74 with proline.
Molecular consequence: missense variant.
Genome position (GRCh38, 1-based): chr1:231,421,668, T>G on the plus strand (A>C on the coding strand, the complement: EGLN1 is on the minus strand). VCF-style: chr1-231421668-T-G. GRCh37 (hg19) VCF-style: chr1-231557414-T-G.
Other names: c.221A>C, p.His74Pro (NM_001377260.1, NM_001377261.1); short protein forms H74P.
Identifiers: ClinVar variation 1787893 (VCV001787893.2), dbSNP rs1347788984, ClinGen allele CA345238496.

ClinVar aggregate classification (germline): Uncertain significance (1 of 4 stars; one submission).

gnomAD v4.1: 1 of 1,472,888 alleles (0.000068%); highest among the groups gnomAD compares: Non-Finnish European, 0.00009%; no homozygotes.

Submission:

Ambry Genetics
Classification: Uncertain significance. Last evaluated: 2022-09-03. Review status: criteria provided, single submitter. Criteria: Ambry Variant Classification Scheme 2023. Collection method: clinical testing. Allele origin: germline.
Comment: The p.H74P variant (also known as c.221A>C), located in coding exon 1 of the EGLN1 gene, results from an A to C substitution at nucleotide position 221. The histidine at codon 74 is replaced by proline, an amino acid with similar properties. This amino acid position is conserved. In addition, this alteration is predicted to be tolerated by in silico analysis. Since supporting evidence is limited at this time, the clinical significance of this alteration remains unclear.